The following is an entry in ClinVar:

NM_004560.4(ROR2):c.1083del (p.His362fs)

Gene: ROR2 (receptor tyrosine kinase like orphan receptor 2; minus strand). Cytogenetic location: 9q22.31.
Variant type: Deletion.
Coding change: c.1083del on transcript NM_004560.4 (MANE Select); coding-DNA position 1083, one base deleted (G; older notation c.1083delG).
Protein change: p.His362fs; shifts the reading frame from histidine 362.
Molecular consequence: frameshift variant.
Genome position (GRCh38, 1-based): chr9:91,731,010, C deleted on the plus strand (G on the coding strand, the reverse complement: ROR2 is on the minus strand); the first of 6 consecutive C bases (chr9:91,731,010-91,731,015); deleting any one gives the same sequence. VCF-style (leftmost placement, unchanged base first): chr9-91731009-GC-G. GRCh37 (hg19) VCF-style: chr9-94493291-GC-G.
Other names: c.1083del, p.His362fs (NM_001318204.2); short protein forms H362fs.
Identifiers: ClinVar variation 3766128 (VCV003766128.1).
Genomic context (GRCh38, chr9:91,731,009, plus strand): 5'-TATTCTGCGTAAAGCACCAGGGGCCCTCCATCTGGCCTCCGGGGTTCCGGCAGTAGGCGT[GC>G]CCCCCTCCAAGCTCAGGGAAGTCTGTGCTGGACAGGTGGTGGCTGTGGGGGTGCTGCAGG-3'

ClinVar aggregate classification (germline): Likely pathogenic (1 of 4 stars; one submission).

Submission:

GeneDx
Classification: Likely pathogenic. Last evaluated: 2024-08-26. Review status: criteria provided, single submitter. Criteria: GeneDx Variant Classification Process June 2021. Collection method: clinical testing. Allele origin: germline. Affected: yes.
Comment: Frameshift variant predicted to result in abnormal protein length as the last 582 amino acids are replaced with 82 different amino acids, and other similar variants have been reported in HGMD; Not observed at significant frequency in large population cohorts (gnomAD); This variant is associated with the following publications: (PMID: 35344616)